The following is an entry in ClinVar:

ClinVar aggregate classification (germline): Likely pathogenic (1 of 4 stars; one submission).

Conditions:
PIEZO2-related disorder. Also called: PIEZO2-related condition; PIEZO2-related disorders.

Submission:

Greenwood Genetic Center Diagnostic Laboratories, Greenwood Genetic Center
Classification: Likely pathogenic for PIEZO2-related disorder. Last evaluated: 2025-02-04. Review status: criteria provided, single submitter. Criteria: ACMG Guidelines, 2015. Collection method: clinical testing. Allele origin: germline. Affected: yes.
Comment: PVS1, PM2

NM_001378183.1(PIEZO2):c.6456G>A (p.Trp2152Ter)

Gene: PIEZO2 (piezo type mechanosensitive ion channel component 2; minus strand). Cytogenetic location: 18p11.22.
Variant type: single nucleotide variant.
Coding change: c.6456G>A on transcript NM_001378183.1 (MANE Select); coding-DNA position 6456, G replaced by A.
Protein change: p.Trp2152Ter; replaces tryptophan 2152 with a stop codon.
Molecular consequence: nonsense.
Genome position (GRCh38, 1-based): chr18:10,699,163, C>T on the plus strand (G>A on the coding strand, the complement: PIEZO2 is on the minus strand). VCF-style: chr18-10699163-C-T. GRCh37 (hg19) VCF-style: chr18-10699161-C-T.
Other names: c.6192G>A, p.Trp2064Ter (NM_001410871.1); c.6117G>A, p.Trp2039Ter (NM_022068.4); short protein forms W2039*, W2064*, W2152*.
Identifiers: ClinVar variation 4851747 (VCV004851747.1).
Genomic context (GRCh38, chr18:10,699,163, plus strand): 5'-GGAGAGCTCATCATCTGATTCCTCCCTGGCCATGCCACTTTCAGTCATGTCATCTTCATC[C>T]CATAAGCCATGGCACTGAGAAAGCAGGGACAGGGACAAATGAGGCTACTGTTTCAGGTGG-3'